The following is an entry in ClinVar:

ClinVar aggregate classification (germline): Likely pathogenic. Review status: criteria provided, single submitter (1 of 4 stars). 2 submissions from 2 submitters: Likely pathogenic (1). 1 of the submissions does not count toward it. Last evaluated 2026-01-19.

Conditions:
Neurodevelopmental disorder with achalasia, polyneuropathy, and alacrima. Identifiers: MedGen C6065904, MONDO:0979875, OMIM 621328.

Submissions (2):

3billion
Classification: Likely pathogenic for Neurodevelopmental disorder with achalasia, polyneuropathy, and alacrima. Last evaluated: 2026-01-19. Review status: criteria provided, single submitter. Criteria: ACMG Guidelines, 2015. Collection method: clinical testing. Allele origin: germline. Affected: yes.
Comment: The variant is not observed in the gnomAD v4.1.0 dataset. Predicted Consequence/Location: Intron variant: previously reported to result in an inframe deletion (PMID: 39003500). In silico tools predict the variant to alter splicing and produce an abnormal transcript [SpliceAI: 0.27 (spliceogenicity >=0.2, non-spliceogenicity <0.1)]. Intron variant: previously reported to result in an inframe deletion (PMID: 39003500). Therefore, this variant is classified as Likely pathogenic according to the recommendation of ACMG/AMP guideline.

OMIM
Classification: Pathogenic for NEURODEVELOPMENTAL DISORDER WITH ACHALASIA, POLYNEUROPATHY, AND ALACRIMA. Last evaluated: 2025-08-29. Review status: no assertion criteria provided. Collection method: literature only. Allele origin: germline. Not counted in ClinVar's aggregate classification.

Literature cited by the submitters: PubMed 39003500 (cited by 3billion and OMIM).

NM_018087.5(NDC1):c.892-21G>A

Gene: NDC1 (NDC1 transmembrane nucleoporin; minus strand). Cytogenetic location: 1p32.3.
Variant type: single nucleotide variant.
Coding change: c.892-21G>A on transcript NM_018087.5 (MANE Select); 21 bases into the intron before coding-DNA position 892, G replaced by A.
Molecular consequence: intron variant.
Genome position (GRCh38, 1-based): chr1:53,806,538, C>T on the plus strand (G>A on the coding strand, the complement: NDC1 is on the minus strand). VCF-style: chr1-53806538-C-T. GRCh37 (hg19) VCF-style: chr1-54272211-C-T.
Other names: IVS8, G-A, 892-21; c.772-21G>A (NM_001168551.2).
Identifiers: ClinVar variation 4082136 (VCV004082136.2).